The following is an entry in ClinVar:

ClinVar aggregate classification (germline): Pathogenic. Review status: criteria provided, single submitter (1 of 4 stars). 3 submissions from 3 submitters: Pathogenic (1). 2 of the submissions do not count toward it. Last evaluated 2024-06-12.

Conditions:
Macular dystrophy. Identifiers: MedGen C0730292, HP:0007754.
PRPH2-related disorder. Also called: PRPH2-related disorders; PRPH2-related condition. Identifiers: MedGen CN239395.

Submissions (3):

Labcorp Genetics (formerly Invitae), Labcorp
Classification: Pathogenic for PRPH2-related disorder. Last evaluated: 2024-06-12. Review status: criteria provided, single submitter. Criteria: Invitae Variant Classification Sherloc (09022015). Collection method: clinical testing. Allele origin: germline.
Comment: This sequence change creates a premature translational stop signal (p.Leu271Serfs*7) in the PRPH2 gene. While this is not anticipated to result in nonsense mediated decay, it is expected to disrupt the last 76 amino acid(s) of the PRPH2 protein. This variant is not present in population databases (gnomAD no frequency). This premature translational stop signal has been observed in individual(s) with autosomal dominant macular dystrophy (PMID: 30718709). ClinVar contains an entry for this variant (Variation ID: 636077). This variant disrupts a region of the PRPH2 protein in which other variant(s) (p.Val332Glu) have been determined to be pathogenic (PMID: 32531846; Invitae). This suggests that this is a clinically significant region of the protein, and that variants that disrupt it are likely to be disease-causing. For these reasons, this variant has been classified as Pathogenic.

Leiden Open Variation Database
Classification: Pathogenic. Last evaluated: 2021-04-06. Review status: no assertion criteria provided. Collection method: curation. Allele origin: germline. Affected: yes. Not counted in ClinVar's aggregate classification.
Comment: Curator: Global Variome, with Curator vacancy. Submitter to LOVD: Manon Peeters.

Department of Clinical Genetics, Copenhagen University Hospital, Rigshospitalet
Classification: Likely pathogenic for Macular dystrophy. Last evaluated: 2018-04-01. Review status: no assertion criteria provided. Collection method: research. Allele origin: unknown. Affected: yes. Study: VeluxRD. Not counted in ClinVar's aggregate classification.

Literature cited by the submitters: PubMed 30718709 (cited by 3 submitters); PubMed 32531846 (cited by Labcorp Genetics (formerly Invitae), Labcorp).

NM_000322.5(PRPH2):c.811del (p.Leu271fs)

Gene: PRPH2 (peripherin 2; minus strand). Cytogenetic location: 6p21.1.
Variant type: Deletion.
Coding change: c.811del on transcript NM_000322.5 (MANE Select); coding-DNA position 811, one base deleted (C; older notation c.811delC).
Protein change: p.Leu271fs; shifts the reading frame from leucine 271.
Molecular consequence: frameshift variant.
Genome position (GRCh38, 1-based): chr6:42,704,382, G deleted on the plus strand (C on the coding strand, the reverse complement: PRPH2 is on the minus strand); the first of 2 consecutive G bases (chr6:42,704,382-42,704,383); deleting either gives the same sequence. VCF-style (leftmost placement, unchanged base first): chr6-42704381-AG-A. GRCh37 (hg19) VCF-style: chr6-42672119-AG-A.
Other names: short protein forms L271fs.
Identifiers: ClinVar variation 636077 (VCV000636077.7), dbSNP rs1582764528, ClinGen allele CA915944253.